The following is an entry in ClinVar:

ClinVar aggregate classification (germline): Pathogenic (1 of 4 stars; one submission).

Conditions:
Tuberous sclerosis 2 (TSC2). Identifiers: Orphanet 805, MedGen C1860707, MONDO:0013199, OMIM 613254.

Allele frequency attached by ClinVar (database versions not stated): gnomAD exomes below 0.00001.
gnomAD v4.1: 1 of 1,612,822 alleles (0.000062%); highest among the groups gnomAD compares: East Asian, 0.0022%; no homozygotes.

Submission:

Labcorp Genetics (formerly Invitae), Labcorp
Classification: Pathogenic for Tuberous sclerosis 2. Last evaluated: 2020-08-27. Review status: criteria provided, single submitter. Criteria: Invitae Variant Classification Sherloc (09022015). Collection method: clinical testing. Allele origin: germline.
Comment: Loss-of-function variants in TSC2 are known to be pathogenic (PMID: 10205261, 17304050). This sequence change creates a premature translational stop signal (p.Cys1609*) in the TSC2 gene. It is expected to result in an absent or disrupted protein product. This variant is not present in population databases (ExAC no frequency). This variant has not been reported in the literature in individuals with TSC2-related conditions. For these reasons, this variant has been classified as Pathogenic.

Literature cited by the submitters: PubMed 10205261; PubMed 17304050.

NM_000548.5(TSC2):c.4827C>A (p.Cys1609Ter)

Gene: TSC2 (TSC complex subunit 2; plus strand). Cytogenetic location: 16p13.3.
Variant type: single nucleotide variant.
Coding change: c.4827C>A on transcript NM_000548.5 (MANE Select); coding-DNA position 4827, C replaced by A.
Protein change: p.Cys1609Ter; replaces cysteine 1609 with a stop codon.
Molecular consequence: nonsense.
Genome position (GRCh38, 1-based): chr16:2,086,357, C>A. VCF-style: chr16-2086357-C-A. GRCh37 (hg19) VCF-style: chr16-2136358-C-A.
Other names: c.4626C>A, p.Cys1542Ter (NM_001077183.3); c.4758C>A, p.Cys1586Ter (NM_001114382.3); c.4518C>A, p.Cys1506Ter (NM_001318827.2); c.4482C>A, p.Cys1494Ter (NM_001318829.2); c.4095C>A, p.Cys1365Ter (NM_001318831.2); c.4659C>A, p.Cys1553Ter (NM_001318832.2); c.4629C>A, p.Cys1543Ter (NM_001363528.2); c.4695C>A, p.Cys1565Ter (NM_001370404.1); and 1 more; short protein forms C1365*, C1494*, C1506*, C1542*, C1543*, C1553*, C1565*, C1566*.
Identifiers: ClinVar variation 1069644 (VCV001069644.7), dbSNP rs1179490369, ClinGen allele CA394308109.